The following is an entry in ClinVar:

NM_004006.3(DMD):c.10351A>T (p.Asn3451Tyr)

Gene: DMD (dystrophin; minus strand). Cytogenetic location: Xp21.2.
Variant type: single nucleotide variant.
Coding change: c.10351A>T on transcript NM_004006.3 (MANE Select); coding-DNA position 10351, A replaced by T.
Protein change: p.Asn3451Tyr; replaces asparagine 3451 with tyrosine.
Molecular consequence: missense variant. On other transcripts: intron variant (2).
Genome position (GRCh38, 1-based): chrX:31,172,391, T>A on the plus strand (A>T on the coding strand, the complement: DMD is on the minus strand). VCF-style: chrX-31172391-T-A. GRCh37 (hg19) VCF-style: chrX-31190508-T-A.
Other names: c.10327A>T, p.Asn3443Tyr (NM_000109.4); c.10339A>T, p.Asn3447Tyr (NM_004009.3); c.9982A>T, p.Asn3328Tyr (NM_004010.3); c.6328A>T, p.Asn2110Tyr (NM_004011.4); c.6319A>T, p.Asn2107Tyr (NM_004012.4); c.2971A>T, p.Asn991Tyr (NM_004013.3, NM_004021.3); c.2164A>T, p.Asn722Tyr (NM_004014.3); c.1147A>T, p.Asn383Tyr (NM_004015.3, NM_004016.3); and 3 more; short protein forms N2107Y, N2110Y, N3328Y, N3443Y, N3447Y, N3451Y, N370Y, N383Y.
Identifiers: ClinVar variation 3609682 (VCV003609682.2).

ClinVar aggregate classification (germline): Uncertain significance (1 of 4 stars; one submission).

Conditions:
Duchenne muscular dystrophy (DMD). Also called: MUSCULAR DYSTROPHY, PSEUDOHYPERTROPHIC PROGRESSIVE, DUCHENNE TYPE; Duchenne Muscular Dystrophy (DMD). Identifiers: Orphanet 98896, MedGen C0013264, MONDO:0010679, OMIM 310200.

Submission:

Labcorp Genetics (formerly Invitae), Labcorp
Classification: Uncertain significance for Duchenne muscular dystrophy. Last evaluated: 2024-11-26. Review status: criteria provided, single submitter. Criteria: Invitae Variant Classification Sherloc (09022015). Collection method: clinical testing. Allele origin: germline.
Comment: This sequence change replaces asparagine, which is neutral and polar, with tyrosine, which is neutral and polar, at codon 3451 of the DMD protein (p.Asn3451Tyr). This variant is not present in population databases (gnomAD no frequency). This variant has not been reported in the literature in individuals affected with DMD-related conditions. Invitae Evidence Modeling of protein sequence and biophysical properties (such as structural, functional, and spatial information, amino acid conservation, physicochemical variation, residue mobility, and thermodynamic stability) indicates that this missense variant is not expected to disrupt DMD protein function with a negative predictive value of 95%. In summary, the available evidence is currently insufficient to determine the role of this variant in disease. Therefore, it has been classified as a Variant of Uncertain Significance.